The following is an entry in ClinVar:

ClinVar aggregate classification (germline): Benign. Review status: criteria provided, multiple submitters, no conflicts (2 of 4 stars). 6 submissions from 6 submitters: Benign (6). Last evaluated 2026-02-03.

Conditions:
Diamond-Blackfan anemia 10 (DBA10). Also called: RPS26-Related Diamond-Blackfan Anemia. Identifiers: Orphanet 124, MedGen C2750080, MONDO:0013217, OMIM 613309.
Diamond-Blackfan anemia. Also called: Blackfan Diamond syndrome; Aregenerative anemia chronic congenital; Red cell aplasia, pure hereditary; Congenital hypoplastic anemia; Aase syndrome. Identifiers: Orphanet 124, MedGen C1260899, MeSH D029503, MONDO:0015253, HP:0004810.

Allele frequency attached by ClinVar (database versions not stated): gnomAD exomes 0.00742 and 0.01993; ExAC 0.02485; gnomAD 0.07684 and 0.08189; ESP Exome Variant Server 0.08627; TOPMed 0.08642; 1000 Genomes Project 0.09165; 1000 Genomes Project 30x 0.09806.
gnomAD v4.1: 22,934 of 1,612,816 alleles (1.4%); highest among the groups gnomAD compares: African/African-American, 27%; 2,822 homozygotes.

Submissions (6):

Labcorp Genetics (formerly Invitae), Labcorp
Classification: Benign for Diamond-Blackfan anemia 10. Last evaluated: 2026-02-03. Review status: criteria provided, single submitter. Criteria: Invitae Variant Classification Sherloc (09022015). Collection method: clinical testing. Allele origin: germline.

ARUP Laboratories, Molecular Genetics and Genomics, ARUP Laboratories
Classification: Benign for Diamond-Blackfan anemia 10. Last evaluated: 2025-01-13. Review status: criteria provided, single submitter. Criteria: ARUP Molecular Germline Variant Investigation Process 2024. Collection method: clinical testing. Allele origin: germline.

Illumina Laboratory Services, Illumina
Classification: Benign for Diamond-Blackfan anemia 10. Last evaluated: 2018-01-12. Review status: criteria provided, single submitter. Criteria: ICSL Variant Classification Criteria 13 December 2019. Collection method: clinical testing. Allele origin: germline.
Comment: This variant was observed in the ICSL laboratory as part of a predisposition screen in an ostensibly healthy population. It had not been previously curated by ICSL or reported in the Human Gene Mutation Database (HGMD: prior to June 1st, 2018), and was therefore a candidate for classification through an automated scoring system. Utilizing variant allele frequency, disease prevalence and penetrance estimates, and inheritance mode, an automated score was calculated to assess if this variant is too frequent to cause the disease. Based on the score and internal cut-off values, a variant classified as benign is not then subjected to further curation. The score for this variant resulted in a classification of benign for this disease.

GeneDx
Classification: Benign. Last evaluated: 2017-03-16. Review status: criteria provided, single submitter. Criteria: GeneDx Variant Classification (06012015). Collection method: clinical testing. Allele origin: germline. Affected: yes.
Comment: This variant is considered likely benign or benign based on one or more of the following criteria: it is a conservative change, it occurs at a poorly conserved position in the protein, it is predicted to be benign by multiple in silico algorithms, and/or has population frequency not consistent with disease.

Ambry Genetics
Classification: Benign for Diamond-Blackfan anemia. Last evaluated: 2016-05-10. Review status: criteria provided, single submitter. Criteria: Ambry Variant Classification Scheme 2023. Collection method: clinical testing. Allele origin: germline.

Breakthrough Genomics
Classification: Benign. Review status: criteria provided, single submitter. Criteria: ACMG Guidelines, 2015. Collection method: not provided. Allele origin: germline. Inheritance: Autosomal dominant inheritance. Affected: yes.

NM_001029.5(RPS26):c.327T>A (p.Arg109=)

Gene: RPS26 (ribosomal protein S26; plus strand). Cytogenetic location: 12q13.2.
Variant type: single nucleotide variant.
Coding change: c.327T>A on transcript NM_001029.5 (MANE Select); coding-DNA position 327, T replaced by A.
Protein change: p.Arg109=; no amino-acid change (arginine 109 retained).
Molecular consequence: synonymous variant.
Genome position (GRCh38, 1-based): chr12:56,044,133, T>A. VCF-style: chr12-56044133-T-A. GRCh37 (hg19) VCF-style: chr12-56437917-T-A.
Other names: c.327T>A, p.Arg109= (LRG_1146t1).
Identifiers: ClinVar variation 309860 (VCV000309860.20), dbSNP rs56696262, ClinGen allele CA6621776.